The following is an entry in ClinVar:

NM_001160372.4(TRAPPC9):c.1818T>G (p.Tyr606Ter)

Gene: TRAPPC9 (trafficking protein particle complex subunit 9; minus strand). Cytogenetic location: 8q24.3.
Variant type: single nucleotide variant.
Coding change: c.1818T>G on transcript NM_001160372.4 (MANE Select); coding-DNA position 1818, T replaced by G.
Protein change: p.Tyr606Ter; replaces tyrosine 606 with a stop codon.
Molecular consequence: nonsense. On other transcripts: non-coding transcript variant (1).
Genome position (GRCh38, 1-based): chr8:140,291,029, A>C on the plus strand (T>G on the coding strand, the complement: TRAPPC9 is on the minus strand). VCF-style: chr8-140291029-A-C. GRCh37 (hg19) VCF-style: chr8-141301128-A-C.
Other names: c.1791T>G, p.Tyr597Ter (NM_001321646.2); c.1839T>G, p.Tyr613Ter (NM_001374682.1); c.1818T>G, p.Tyr606Ter (NM_001374683.1, NM_031466.8); c.1674T>G, p.Tyr558Ter (NM_001374684.1); short protein forms Y606*, Y613*, Y597*, Y558*.
Identifiers: ClinVar variation 4702175 (VCV004702175.1).
Genomic context (GRCh38, chr8:140,291,029, plus strand): 5'-GGTCAAATGATTGGTGATACATACCATGTTTTCAACTCGAAGTTCAAACGGCATTGGGTT[A>C]TATACCATCAGCTGAACTTCACACACATCTCCTTGAACCCACTGGAAATCTAGAAAATAC-3'

ClinVar aggregate classification (germline): Pathogenic (1 of 4 stars; one submission).

gnomAD v4.1: 3 of 1,614,152 alleles (0.00019%); highest among the groups gnomAD compares: Non-Finnish European, 0.00025%; no homozygotes.

Submission:

Labcorp Genetics (formerly Invitae), Labcorp
Classification: Pathogenic. Last evaluated: 2025-12-19. Review status: criteria provided, single submitter. Criteria: Invitae Variant Classification Sherloc (09022015). Collection method: clinical testing. Allele origin: germline.
Comment: This sequence change creates a premature translational stop signal (p.Tyr704*) in the TRAPPC9 gene. It is expected to result in an absent or disrupted protein product. Loss-of-function variants in TRAPPC9 are known to be pathogenic (PMID: 2000476, 20004763, 20004764). This variant is not present in population databases (gnomAD no frequency). This variant has not been reported in the literature in individuals affected with TRAPPC9-related conditions. For these reasons, this variant has been classified as Pathogenic.

Literature cited by the submitters: PubMed 2000476; PubMed 20004763; PubMed 20004764.